The following is an entry in ClinVar:

NM_014319.5(LEMD3):c.2351C>A (p.Pro784Gln)

Gene: LEMD3 (LEM domain containing 3; plus strand). Cytogenetic location: 12q14.3.
Variant type: single nucleotide variant.
Coding change: c.2351C>A on transcript NM_014319.5 (MANE Select); coding-DNA position 2351, C replaced by A.
Protein change: p.Pro784Gln; replaces proline 784 with glutamine.
Molecular consequence: missense variant.
Genome position (GRCh38, 1-based): chr12:65,243,433, C>A. VCF-style: chr12-65243433-C-A. GRCh37 (hg19) VCF-style: chr12-65637213-C-A.
Other names: c.2348C>A, p.Pro783Gln (NM_001167614.2); short protein forms P783Q, P784Q.
Identifiers: ClinVar variation 1716698 (VCV001716698.5), dbSNP rs1340498472, ClinGen allele CA385674147.

ClinVar aggregate classification (germline): Uncertain significance (1 of 4 stars; one submission).

Submission:

Labcorp Genetics (formerly Invitae), Labcorp
Classification: Uncertain significance. Last evaluated: 2022-08-19. Review status: criteria provided, single submitter. Criteria: Invitae Variant Classification Sherloc (09022015). Collection method: clinical testing. Allele origin: germline.
Comment: This sequence change replaces proline, which is neutral and non-polar, with glutamine, which is neutral and polar, at codon 784 of the LEMD3 protein (p.Pro784Gln). This variant is not present in population databases (gnomAD no frequency). This variant has not been reported in the literature in individuals affected with LEMD3-related conditions. Algorithms developed to predict the effect of missense changes on protein structure and function are either unavailable or do not agree on the potential impact of this missense change (SIFT: "Deleterious"; PolyPhen-2: "Probably Damaging"; Align-GVGD: "Class C0"). In summary, the available evidence is currently insufficient to determine the role of this variant in disease. Therefore, it has been classified as a Variant of Uncertain Significance.